The following is an entry in ClinVar:

ClinVar aggregate classification (germline): Uncertain significance (1 of 4 stars; one submission).

Conditions:
Compton-North congenital myopathy (CMYO12). Identifiers: Orphanet 210163, MedGen C2675527, MONDO:0012929, OMIM 612540.

Allele frequency attached by ClinVar (database versions not stated): gnomAD exomes below 0.00001.
gnomAD v4.1: 1 of 1,613,968 alleles (0.000062%); highest among the groups gnomAD compares: South Asian, 0.0011%; no homozygotes.

Submission:

Labcorp Genetics (formerly Invitae), Labcorp
Classification: Uncertain significance for Compton-North congenital myopathy. Last evaluated: 2022-10-17. Review status: criteria provided, single submitter. Criteria: Invitae Variant Classification Sherloc (09022015). Collection method: clinical testing. Allele origin: germline.
Comment: Advanced modeling of protein sequence and biophysical properties (such as structural, functional, and spatial information, amino acid conservation, physicochemical variation, residue mobility, and thermodynamic stability) performed at Invitae indicates that this missense variant is not expected to disrupt CNTN1 protein function. This variant has not been reported in the literature in individuals affected with CNTN1-related conditions. This variant is not present in population databases (gnomAD no frequency). This sequence change replaces glycine, which is neutral and non-polar, with glutamic acid, which is acidic and polar, at codon 718 of the CNTN1 protein (p.Gly718Glu). In summary, the available evidence is currently insufficient to determine the role of this variant in disease. Therefore, it has been classified as a Variant of Uncertain Significance.

NM_001843.4(CNTN1):c.2153G>A (p.Gly718Glu)

Gene: CNTN1 (contactin 1; plus strand). Cytogenetic location: 12q12.
Variant type: single nucleotide variant.
Coding change: c.2153G>A on transcript NM_001843.4 (MANE Select); coding-DNA position 2153, G replaced by A.
Protein change: p.Gly718Glu; replaces glycine 718 with glutamic acid.
Molecular consequence: missense variant.
Genome position (GRCh38, 1-based): chr12:41,014,267, G>A. VCF-style: chr12-41014267-G-A. GRCh37 (hg19) VCF-style: chr12-41408069-G-A.
Other names: c.2120G>A, p.Gly707Glu (NM_175038.2); short protein forms G707E, G718E.
Identifiers: ClinVar variation 2110055 (VCV002110055.4), dbSNP rs2499710872, ClinGen allele CA384586513.